The following is an entry in ClinVar:

ClinVar aggregate classification (germline): Uncertain significance (1 of 4 stars; one submission).

Submission:

GeneDx
Classification: Uncertain significance. Last evaluated: 2026-03-24. Review status: criteria provided, single submitter. Criteria: GeneDx Variant Classification Process June 2021. Collection method: clinical testing. Allele origin: germline.
Comment: Not observed at significant frequency in large population cohorts (gnomAD); In silico analysis supports that this missense variant has a deleterious effect on protein structure/function; Has not been previously published as pathogenic or benign to our knowledge

NM_002063.4(GLRA2):c.947C>A (p.Ala316Glu)

Genes: FANCB (FA complementation group B; minus strand), GLRA2 (glycine receptor alpha 2; plus strand). Cytogenetic location: Xp22.2.
Variant type: single nucleotide variant.
Coding change: c.947C>A on transcript NM_002063.4 (MANE Select); coding-DNA position 947, C replaced by A.
Protein change: p.Ala316Glu; replaces alanine 316 with glutamic acid.
Molecular consequence: missense variant.
Genome position (GRCh38, 1-based): chrX:14,690,726, C>A. VCF-style: chrX-14690726-C-A. GRCh37 (hg19) VCF-style: chrX-14708848-C-A.
Other names: c.947C>A, p.Ala316Glu (NM_001118885.2, NM_001118886.2); c.680C>A, p.Ala227Glu (NM_001171942.2); short protein forms A227E, A316E.
Identifiers: ClinVar variation 5017412 (VCV005017412.1).